The following is an entry in ClinVar:

NM_021035.3(ZNFX1):c.4848G>A (p.Leu1616=)

Gene: ZNFX1 (zinc finger NFX1-type containing 1; minus strand). Cytogenetic location: 20q13.13.
Variant type: single nucleotide variant.
Coding change: c.4848G>A on transcript NM_021035.3 (MANE Select); coding-DNA position 4848, G replaced by A.
Protein change: p.Leu1616=; no amino-acid change (leucine 1616 retained).
Molecular consequence: synonymous variant.
Genome position (GRCh38, 1-based): chr20:49,248,176, C>T on the plus strand (G>A on the coding strand, the complement: ZNFX1 is on the minus strand). VCF-style: chr20-49248176-C-T. GRCh37 (hg19) VCF-style: chr20-47864713-C-T.
Identifiers: ClinVar variation 3389907 (VCV003389907.14).

ClinVar aggregate classification (germline): Likely benign (1 of 4 stars; one submission).

gnomAD v4.1: 3 of 1,614,190 alleles (0.00019%); highest among the groups gnomAD compares: South Asian, 0.0022%; no homozygotes.

Submission:

CeGaT Center for Human Genetics Tuebingen
Classification: Likely benign. Last evaluated: 2024-11-01. Review status: criteria provided, single submitter. Criteria: CeGaT Center For Human Genetics Tuebingen Variant Classification Criteria Version 2. Collection method: clinical testing. Allele origin: germline. Affected: yes. Observed: 1 variant allele.
Comment: ZNFX1: BP4, BP7